The following is an entry in ClinVar:

NM_001447.3(FAT2):c.6842T>C (p.Ile2281Thr)

Genes: FAT2 (FAT atypical cadherin 2; minus strand), SLC36A1 (solute carrier family 36 member 1; plus strand). Cytogenetic location: 5q33.1.
Variant type: single nucleotide variant.
Coding change: c.6842T>C on transcript NM_001447.3 (MANE Select); coding-DNA position 6842, T replaced by C.
Protein change: p.Ile2281Thr; replaces isoleucine 2281 with threonine.
Molecular consequence: missense variant.
Genome position (GRCh38, 1-based): chr5:151,544,285, A>G on the plus strand (T>C on the coding strand, the complement: FAT2 is on the minus strand). VCF-style: chr5-151544285-A-G. GRCh37 (hg19) VCF-style: chr5-150923846-A-G.
Other names: short protein forms I2281T.
Identifiers: ClinVar variation 2076656 (VCV002076656.4), dbSNP rs2479851603, ClinGen allele CA361837222.
Genomic context (GRCh38, chr5:151,544,285, plus strand): 5'-GAGTCCTGGTCAGAAGCCAACAGTTGGATCACAGGGGTCTGAGCAGGCAAGCCTTCTGAG[A>G]TGGAAGTGGTATAGACCAATTGGGAAAAAGTGGGAGGGTTATCATTGACATCCTCCACTA-3'
Protein context (NP_001438.1, residues 2271-2291): TFSQLVYTTS[Ile2281Thr]SEGLPAQTPV

ClinVar aggregate classification (germline): Uncertain significance (1 of 4 stars; one submission).

Allele frequency attached by ClinVar (database versions not stated): gnomAD exomes below 0.00001.
gnomAD v4.1: 1 of 1,614,190 alleles (0.000062%); highest among the groups gnomAD compares: Non-Finnish European, 0.000085%; no homozygotes.

Submission:

Labcorp Genetics (formerly Invitae), Labcorp
Classification: Uncertain significance. Last evaluated: 2022-07-02. Review status: criteria provided, single submitter. Criteria: Invitae Variant Classification Sherloc (09022015). Collection method: clinical testing. Allele origin: germline.
Comment: In summary, the available evidence is currently insufficient to determine the role of this variant in disease. Therefore, it has been classified as a Variant of Uncertain Significance. Algorithms developed to predict the effect of missense changes on protein structure and function are either unavailable or do not agree on the potential impact of this missense change (SIFT: "Deleterious"; PolyPhen-2: "Benign"; Align-GVGD: "Class C25"). This variant has not been reported in the literature in individuals affected with FAT2-related conditions. This variant is not present in population databases (gnomAD no frequency). This sequence change replaces isoleucine, which is neutral and non-polar, with threonine, which is neutral and polar, at codon 2281 of the FAT2 protein (p.Ile2281Thr).